The following is an entry in ClinVar:

ClinVar aggregate classification (germline): Likely pathogenic (1 of 4 stars; one submission).

Conditions:
Glycogen storage disease type III (GSD3). Also called: FORBES DISEASE; Cori disease. Identifiers: Orphanet 366, MedGen C0017922, MONDO:0009291, OMIM 232400.

Submission:

Neuberg Centre For Genomic Medicine, NCGM
Classification: Likely pathogenic for Glycogen storage disease type III. Last evaluated: 2023-06-22. Review status: criteria provided, single submitter. Criteria: ACMG Guidelines, 2015. Collection method: clinical testing. Allele origin: germline. Inheritance: Autosomal recessive inheritance. Affected: yes.
Comment: The observed frameshift c.2709_2719del(p.Glu903AspfsTer6) variant in AGL gene has not been reported previously as a pathogenic variant nor as a benign variant, to our knowledge. This variant is absent in gnomAD Exomes. This variant causes a frameshift starting with codon Glutamic Acid 903, changes this amino acid to Aspartic Acid residue, and creates a premature Stop codon at position 6 of the new reading frame, denoted p.Glu903AspfsTer6. This variant is predicted to cause loss of normal protein function through protein truncation. Loss of function variants have been previously reported to be disease causing. For these reasons, this variant has been classified as Likely Pathogenic.

NM_000642.3(AGL):c.2709_2719del (p.Glu903fs)

Gene: AGL (amylo-alpha-1,6-glucosidase and 4-alpha-glucanotransferase; plus strand). Cytogenetic location: 1p21.2.
Variant type: Deletion.
Coding change: c.2709_2719del on transcript NM_000642.3 (MANE Select); coding-DNA positions 2709 to 2719, 11 bases deleted (GCTAAATCAGA).
Protein change: p.Glu903fs; shifts the reading frame from glutamic acid 903.
Molecular consequence: frameshift variant.
Genome position (GRCh38, 1-based): chr1:99,888,005-99,888,015, GCTAAATCAGA deleted; deleting any 11 consecutive bases within chr1:99,888,003-99,888,015 gives the same sequence; the c. name uses the placement nearest the transcript's 3' end. VCF-style (leftmost placement, unchanged base first): chr1-99888002-TGAGCTAAATCA-T. GRCh37 (hg19) VCF-style: chr1-100353558-TGAGCTAAATCA-T.
Other names: c.2709_2719del, p.Glu903fs (NM_000028.3, NM_000643.3, NM_000644.3 and 2 more transcripts); c.2661_2671del, p.Glu887fs (NM_000646.3); c.2508_2518del, p.Glu836fs (NM_001425327.1); c.2505_2515del, p.Glu835fs (NM_001425328.1); c.2370_2380del, p.Glu790fs (NM_001425329.1); c.2331_2341del, p.Glu777fs (NM_001425332.1); short protein forms E777fs, E790fs, E835fs, E836fs, E887fs, E903fs.
Identifiers: ClinVar variation 3377726 (VCV003377726.1).
Genomic context (GRCh38, chr1:99,888,002, plus strand): 5'-TTCAATATATGGTTATCTTTATTTTCCAATTCTTAGTCTTGCCTCCAGATTAACTTTGGC[TGAGCTAAATCA>T]GATCCTTTACCGATGTGAATCAGAAGAAAAGGAAGATGGTGGAGGGTGCTATGACATACC-3'